The following is an entry in ClinVar:

NM_000169.3(GLA):c.770C>G (p.Ala257Gly)

Genes: GLA (galactosidase alpha; minus strand), RPL36A-HNRNPH2 (RPL36A-HNRNPH2 readthrough; plus strand). Cytogenetic location: Xq22.1.
Variant type: single nucleotide variant.
Coding change: c.770C>G on transcript NM_000169.3 (MANE Select); coding-DNA position 770, C replaced by G.
Protein change: p.Ala257Gly; replaces alanine 257 with glycine.
Molecular consequence: missense variant. On other transcripts: non-coding transcript variant (3), intron variant (2).
Genome position (GRCh38, 1-based): chrX:101,398,816, G>C on the plus strand (C>G on the coding strand, the complement: GLA is on the minus strand). VCF-style: chrX-101398816-G-C. GRCh37 (hg19) VCF-style: chrX-100653804-G-C.
Other names: c.893C>G, p.Ala298Gly (NM_001406747.1); c.770C>G, p.Ala257Gly (NM_001406748.1); c.300+3359G>C (NM_001199973.2); c.177+6994G>C (NM_001199974.2); short protein forms A257G, A298G.
Identifiers: ClinVar variation 4087499 (VCV004087499.2).

ClinVar aggregate classification (germline): Uncertain significance (1 of 4 stars; one submission).

Conditions:
Fabry disease. Also called: ALPHA-GALACTOSIDASE A DEFICIENCY; ANDERSON-FABRY DISEASE; CERAMIDE TRIHEXOSIDASE DEFICIENCY; GLA DEFICIENCY; HEREDITARY DYSTOPIC LIPIDOSIS; Angiokeratoma corporis diffusum. Identifiers: Orphanet 324, MedGen C0002986, MONDO:0010526, OMIM 301500, HP:0001071. Disease mechanism: Fabry disease is due to inactivating mutations in the X-linked GLA gene resulting in deficiency of the enzyme Alpha Galactosidase-A., loss of function.

Submission:

Genomenon, Inc
Classification: Uncertain significance for Fabry disease. Last evaluated: 2026-09-08. Review status: criteria provided, single submitter. Criteria: Genomenon Sequence Variant Interpretation Standards - Updated. Collection method: curation. Allele origin: germline. Affected: yes.
Comment: GLA p.Ala257Gly (c.770C>G) is a missense variant that changes the amino acid at codon 257 from Alanine to Glycine. This variant has been observed in at least one proband with clinical features consistent with Fabry disease (PMID:37847061). Functional or patient cell studies have been reported (PMID:27657681). It is absent or not present at a significant frequency in gnomAD. In silico models predict that this variant is possibly or probably damaging. In conclusion, we classify GLA p.Ala257Gly (c.770C>G) as a variant of uncertain significance.

Literature cited by the submitters: PubMed 37847061; PubMed 27657681.